The following is an entry in ClinVar:

NM_080680.3(COL11A2):c.2254G>T (p.Val752Leu)

Gene: COL11A2 (collagen type XI alpha 2 chain; minus strand). Cytogenetic location: 6p21.32.
Variant type: single nucleotide variant.
Coding change: c.2254G>T on transcript NM_080680.3 (MANE Select); coding-DNA position 2254, G replaced by T.
Protein change: p.Val752Leu; replaces valine 752 with leucine.
Molecular consequence: missense variant.
Genome position (GRCh38, 1-based): chr6:33,176,030, C>A on the plus strand (G>T on the coding strand, the complement: COL11A2 is on the minus strand). VCF-style: chr6-33176030-C-A. GRCh37 (hg19) VCF-style: chr6-33143807-C-A.
Other names: c.2074G>T, p.Val692Leu (NM_001424108.1); c.1408G>T, p.Val470Leu (NM_001424109.1); c.1228G>T, p.Val410Leu (NM_001424110.1, NM_001424111.1); c.208G>T, p.Val70Leu (NM_001424112.1); c.1933G>T, p.Val645Leu (NM_080679.3); c.1996G>T, p.Val666Leu (NM_080681.3); short protein forms V410L, V470L, V645L, V666L, V692L, V70L, V752L.
Identifiers: ClinVar variation 4801323 (VCV004801323.1).
Genomic context (GRCh38, chr6:33,176,030, plus strand): 5'-GCTCAGTAGAACACGGAATTGGGGCCAGTGTGGGGTCTCTACTCACCCTGTCACCTTTCA[C>A]GCCTATGTCACCTTTGAACCCAGGAAAGCCATCCTCACCCTGAGAAAGATAGAGGTGAGA-3'
Protein context (NP_542411.2, residues 742-762): GFPGFKGDIG[Val752Leu]KGDRGEVGVP

ClinVar aggregate classification (germline): Uncertain significance (1 of 4 stars; one submission).

Submission:

Labcorp Genetics (formerly Invitae), Labcorp
Classification: Uncertain significance. Last evaluated: 2025-08-03. Review status: criteria provided, single submitter. Criteria: Invitae Variant Classification Sherloc (09022015). Collection method: clinical testing. Allele origin: germline.
Comment: This sequence change replaces valine, which is neutral and non-polar, with leucine, which is neutral and non-polar, at codon 752 of the COL11A2 protein (p.Val752Leu). This variant is not present in population databases (gnomAD no frequency). This variant has not been reported in the literature in individuals affected with COL11A2-related conditions. Invitae Evidence Modeling of protein sequence and biophysical properties (such as structural, functional, and spatial information, amino acid conservation, physicochemical variation, residue mobility, and thermodynamic stability) indicates that this missense variant is not expected to disrupt COL11A2 protein function with a negative predictive value of 95%. Algorithms developed to predict the effect of sequence changes on RNA splicing suggest that this variant may disrupt the consensus splice site. In summary, the available evidence is currently insufficient to determine the role of this variant in disease. Therefore, it has been classified as a Variant of Uncertain Significance.